The following is an entry in ClinVar:

NM_001379403.1(WDR26):c.699G>A (p.Gln233=)

Gene: WDR26 (WD repeat domain 26; minus strand). Cytogenetic location: 1q42.12.
Variant type: single nucleotide variant.
Coding change: c.699G>A on transcript NM_001379403.1 (MANE Select); coding-DNA position 699, G replaced by A.
Protein change: p.Gln233=; no amino-acid change (glutamine 233 retained).
Molecular consequence: synonymous variant.
Genome position (GRCh38, 1-based): chr1:224,433,707, C>T on the plus strand (G>A on the coding strand, the complement: WDR26 is on the minus strand). VCF-style: chr1-224433707-C-T. GRCh37 (hg19) VCF-style: chr1-224621409-C-T.
Other names: c.399G>A, p.Gln133= (NM_001115113.3, NM_025160.7).
Identifiers: ClinVar variation 4822169 (VCV004822169.4).
Genomic context (GRCh38, chr1:224,433,707, plus strand): 5'-GTCTGTCCATCACCAGCTGGCGGTAAGGGATACTTACTTGAGCCCTAAGCCATTCAAGTG[C>T]TGTCCTATTAGCCTAATGACATCCTCATCTGACTGGGAGAGCCGCTTCTTCTTCTTGAGG-3'
Protein context (NP_001366332.1, residues 223-243): SDEDVIRLIG[Gln233=]HLNGLGLNQT

ClinVar aggregate classification (germline): Likely benign (1 of 4 stars; one submission).

gnomAD v4.1: 2 of 1,519,206 alleles (0.00013%); highest among the groups gnomAD compares: Admixed American, 0.004%; no homozygotes.

Submission:

CeGaT Center for Human Genetics Tuebingen
Classification: Likely benign. Last evaluated: 2026-01-01. Review status: criteria provided, single submitter. Criteria: CeGaT Center For Human Genetics Tuebingen Variant Classification Criteria Version 2. Collection method: clinical testing. Allele origin: germline. Affected: yes. Observed: 1 variant allele.
Comment: WDR26: BP4, BP7